The following is an entry in ClinVar:

ClinVar aggregate classification (germline): Uncertain significance. Review status: criteria provided, multiple submitters, no conflicts (2 of 4 stars). 2 submissions from 2 submitters: Uncertain significance (2). Last evaluated 2025-06-10.

gnomAD v4.1: 5 of 1,613,980 alleles (0.00031%); highest among the groups gnomAD compares: African/African-American, 0.0027%; no homozygotes.

Submissions (2):

Labcorp Genetics (formerly Invitae), Labcorp
Classification: Uncertain significance. Last evaluated: 2025-06-10. Review status: criteria provided, single submitter. Criteria: Invitae Variant Classification Sherloc (09022015). Collection method: clinical testing. Allele origin: germline.
Comment: This sequence change replaces methionine, which is neutral and non-polar, with valine, which is neutral and non-polar, at codon 28 of the PLA2G5 protein (p.Met28Val). This variant is present in population databases (rs752988914, gnomAD 0.008%). This variant has not been reported in the literature in individuals affected with PLA2G5-related conditions. An algorithm developed to predict the effect of missense changes on protein structure and function (PolyPhen-2) suggests that this variant is likely to be disruptive. In summary, the available evidence is currently insufficient to determine the role of this variant in disease. Therefore, it has been classified as a Variant of Uncertain Significance.

Blueprint Genetics
Classification: Uncertain significance. Last evaluated: 2023-03-30. Review status: criteria provided, single submitter. Criteria: ACMG Guidelines, 2015. Collection method: clinical testing. Allele origin: germline.

NM_000929.3(PLA2G5):c.82A>G (p.Met28Val)

Gene: PLA2G5 (phospholipase A2 group V; plus strand). Cytogenetic location: 1p36.13.
Variant type: single nucleotide variant.
Coding change: c.82A>G on transcript NM_000929.3 (MANE Select); coding-DNA position 82, A replaced by G.
Protein change: p.Met28Val; replaces methionine 28 with valine.
Molecular consequence: missense variant.
Genome position (GRCh38, 1-based): chr1:20,086,124, A>G. VCF-style: chr1-20086124-A-G. GRCh37 (hg19) VCF-style: chr1-20412617-A-G.
Other names: short protein forms M28V.
Identifiers: ClinVar variation 4699887 (VCV004699887.2).
Genomic context (GRCh38, chr1:20,086,124, plus strand): 5'-GACATGGGCTATCTTCCAGGTGTGCCTGCTGTGCAAGGAGGCTTGCTGGACCTAAAATCA[A>G]TGATCGAGAAGGTGACAGGGAAGAACGCCCTGACAAACTACGGCTTCTACGGCTGTTACT-3'
Protein context (NP_000920.1, residues 18-38): VQGGLLDLKS[Met28Val]IEKVTGKNAL